The following is an entry in ClinVar:

ClinVar aggregate classification (germline): Uncertain significance. Review status: criteria provided, multiple submitters, no conflicts (2 of 4 stars). 3 submissions from 3 submitters: Uncertain significance (3). Last evaluated 2024-09-09.

Conditions:
Inborn genetic diseases. Identifiers: MedGen C0950123, MeSH D030342.

Allele frequency attached by ClinVar (database versions not stated): ExAC 0.00002; gnomAD exomes 0.00002.
gnomAD v4.1: 63 of 1,614,184 alleles (0.0039%); highest among the groups gnomAD compares: Non-Finnish European, 0.0049%; no homozygotes.

Submissions (3):

Blueprint Genetics
Classification: Uncertain significance. Last evaluated: 2024-09-09. Review status: criteria provided, single submitter. Criteria: ACMG Guidelines, 2015. Collection method: clinical testing. Allele origin: germline.

Ambry Genetics
Classification: Uncertain significance for Inborn genetic diseases. Last evaluated: 2023-09-25. Review status: criteria provided, single submitter. Criteria: Ambry Variant Classification Scheme 2023. Collection method: clinical testing. Allele origin: germline.

Labcorp Genetics (formerly Invitae), Labcorp
Classification: Uncertain significance. Last evaluated: 2022-04-05. Review status: criteria provided, single submitter. Criteria: Invitae Variant Classification Sherloc (09022015). Collection method: clinical testing. Allele origin: germline.
Comment: This sequence change replaces threonine, which is neutral and polar, with alanine, which is neutral and non-polar, at codon 408 of the TTLL5 protein (p.Thr408Ala). This variant is present in population databases (rs752741850, gnomAD 0.006%). This variant has not been reported in the literature in individuals affected with TTLL5-related conditions. Algorithms developed to predict the effect of missense changes on protein structure and function output the following: SIFT: "Tolerated"; PolyPhen-2: "Benign"; Align-GVGD: "Class C0". The alanine amino acid residue is found in multiple mammalian species, which suggests that this missense change does not adversely affect protein function. In summary, the available evidence is currently insufficient to determine the role of this variant in disease. Therefore, it has been classified as a Variant of Uncertain Significance.

NM_015072.5(TTLL5):c.1222A>G (p.Thr408Ala)

Gene: TTLL5 (tubulin tyrosine ligase like 5; plus strand). Cytogenetic location: 14q24.3.
Variant type: single nucleotide variant.
Coding change: c.1222A>G on transcript NM_015072.5 (MANE Select); coding-DNA position 1222, A replaced by G.
Protein change: p.Thr408Ala; replaces threonine 408 with alanine.
Molecular consequence: missense variant.
Genome position (GRCh38, 1-based): chr14:75,735,230, A>G. VCF-style: chr14-75735230-A-G. GRCh37 (hg19) VCF-style: chr14-76201573-A-G.
Other names: c.1222A>G (NM_015072.4); short protein forms T408A.
Identifiers: ClinVar variation 1420537 (VCV001420537.7), dbSNP rs752741850, ClinGen allele CA7279291.
Genomic context (GRCh38, chr14:75,735,230, plus strand): 5'-TTAATGTTGCCCATTCCCCATTCAGGATTTGTGTGCCAAGATCCTGCCCAGCGGGCATCA[A>G]CTCGGCCAATTTATCCCACCTTTGAGTCTTCCAGGCGAAACCCTTTCCAGAAACCTCAGG-3'
Protein context (NP_055887.3, residues 398-418): VCQDPAQRAS[Thr408Ala]RPIYPTFESS